The following is an entry in ClinVar:

ClinVar aggregate classification (germline): Likely benign (1 of 4 stars; one submission).

Conditions:
Polycystic liver disease 1 (PCLD1). Also called: Polycystic liver disease 1 with or without kidney cysts. Identifiers: Orphanet 2924, MedGen C0887850, MONDO:0008265, OMIM 174050.

Allele frequency attached by ClinVar (database versions not stated): TOPMed 0.00004; gnomAD 0.00001 and 0.00002.
gnomAD v4.1: 96 of 1,613,698 alleles (0.0059%); highest among the groups gnomAD compares: East Asian, 0.12%; no homozygotes.

Submission:

Illumina Laboratory Services, Illumina
Classification: Likely benign for Polycystic liver disease 1. Last evaluated: 2018-01-13. Review status: criteria provided, single submitter. Criteria: ICSL Variant Classification Criteria 13 December 2019. Collection method: clinical testing. Allele origin: germline.
Comment: This variant was observed in the ICSL laboratory as part of a predisposition screen in an ostensibly healthy population. It had not been previously curated by ICSL or reported in the Human Gene Mutation Database (HGMD: prior to June 1st, 2018), and was therefore a candidate for classification through an automated scoring system. Utilizing variant allele frequency, disease prevalence and penetrance estimates, and inheritance mode, an automated score was calculated to assess if this variant is too frequent to cause the disease. Based on the score and internal cut-off values, a variant classified as likely benign is not then subjected to further curation. The score for this variant resulted in a classification of likely benign for this disease.

NM_001289104.2(PRKCSH):c.847G>A (p.Glu283Lys)

Gene: PRKCSH (PRKCSH beta subunit of glucosidase II; plus strand). Cytogenetic location: 19p13.2.
Variant type: single nucleotide variant.
Coding change: c.847G>A on transcript NM_001289104.2 (MANE Select); coding-DNA position 847, G replaced by A.
Protein change: p.Glu283Lys; replaces glutamic acid 283 with lysine.
Molecular consequence: missense variant.
Genome position (GRCh38, 1-based): chr19:11,447,158, G>A. VCF-style: chr19-11447158-G-A. GRCh37 (hg19) VCF-style: chr19-11557973-G-A.
Other names: c.847G>A, p.Glu283Lys (NM_001001329.3, NM_001289102.2, NM_001289103.2 and 3 more transcripts); short protein forms E283K.
Identifiers: ClinVar variation 890258 (VCV000890258.4), dbSNP rs776575609, ClinGen allele CA9213020.
Genomic context (GRCh38, chr19:11,447,158, plus strand): 5'-ACAGACGCCACCTCTTTCTACGACCGCGTCTGGGCCGCCATCAGGGACAAGTACCGGTCC[G>A]AGGTCAGTGGAGGAGAAGGGAGGGGACTTGGTCCTCCCACCACACTGCCCCCACCCCGCC-3'
Protein context (NP_001276033.1, residues 273-293): WAAIRDKYRS[Glu283Lys]ALPTDLPAPS